The following is an entry in ClinVar:

ClinVar aggregate classification (germline): Conflicting classifications of pathogenicity. Review status: criteria provided, conflicting classifications (1 of 4 stars). 3 submissions from 3 submitters: Uncertain significance (2); Likely benign (1). Last evaluated 2025-07-03.

Conditions:
Hereditary cancer-predisposing syndrome. Also called: Neoplastic Syndromes, Hereditary; Tumor predisposition; Hereditary Cancer Syndrome; Hereditary neoplastic syndrome. Identifiers: Orphanet 140162, MedGen C0027672, MeSH D009386, MONDO:0015356.

Allele frequency attached by ClinVar (database versions not stated): gnomAD exomes below 0.00001.
gnomAD v4.1: 1 of 1,582,160 alleles (0.000063%); highest among the groups gnomAD compares: South Asian, 0.0011%; no homozygotes.

Submissions (3):

Ambry Genetics
Classification: Likely benign for Hereditary cancer-predisposing syndrome. Last evaluated: 2025-07-03. Review status: criteria provided, single submitter. Criteria: Ambry Variant Classification Scheme 2023. Collection method: clinical testing. Allele origin: germline.

Women's Health and Genetics/Laboratory Corporation of America, LabCorp
Classification: Uncertain significance. Last evaluated: 2020-06-09. Review status: criteria provided, single submitter. Criteria: LabCorp Variant Classification Summary - May 2015. Collection method: clinical testing. Allele origin: germline.
Comment: Variant summary: BRCA2 c.325G>A (p.Val109Ile) results in a conservative amino acid change in the encoded protein sequence. Five of five in-silico tools predict a benign effect of the variant on protein function. The variant allele was found at a frequency of 4e-06 in 250594 control chromosomes. The available data on variant occurrences in the general population are insufficient to allow any conclusion about variant significance. To our knowledge, no occurrence of c.325G>A in individuals affected with Hereditary Breast And Ovarian Cancer Syndrome and no experimental evidence demonstrating its impact on protein function have been reported. No clinical diagnostic laboratories have submitted clinical-significance assessments for this variant to ClinVar after 2014. Based on the evidence outlined above, the variant was classified as uncertain significance.

Color Diagnostics, LLC DBA Color Health
Classification: Uncertain significance for Hereditary cancer-predisposing syndrome. Last evaluated: 2020-04-07. Review status: criteria provided, single submitter. Criteria: ACMG Guidelines, 2015. Collection method: clinical testing. Allele origin: germline.
Comment: This missense variant replaces valine with isoleucine at codon 109 of the BRCA2 protein. Computational prediction suggests that this variant may not impact protein structure and function (internally defined REVEL score threshold <= 0.5, PMID: 27666373). To our knowledge, functional studies have not been reported for this variant. This variant has not been reported in individuals affected with hereditary cancer in the literature. This variant has been identified in 1/250594 chromosomes in the general population by the Genome Aggregation Database (gnomAD). The available evidence is insufficient to determine the role of this variant in disease conclusively. Therefore, this variant is classified as a Variant of Uncertain Significance.

NM_000059.4(BRCA2):c.325G>A (p.Val109Ile)

Gene: BRCA2 (BRCA2 DNA repair associated; plus strand). Cytogenetic location: 13q13.1.
Variant type: single nucleotide variant.
Coding change: c.325G>A on transcript NM_000059.4 (MANE Select); coding-DNA position 325, G replaced by A.
Protein change: p.Val109Ile; replaces valine 109 with isoleucine.
Molecular consequence: missense variant.
Genome position (GRCh38, 1-based): chr13:32,325,084, G>A. VCF-style: chr13-32325084-G-A. GRCh37 (hg19) VCF-style: chr13-32899221-G-A.
Other names: short protein forms V109I.
Identifiers: ClinVar variation 921408 (VCV000921408.5), dbSNP rs1359975493, ClinGen allele CA387756508.